The following is an entry in ClinVar:

ClinVar aggregate classification (germline): Uncertain significance (1 of 4 stars; one submission).

Conditions:
Inflammatory skin and bowel disease, neonatal, 1. Identifiers: Orphanet 294023, MedGen C3280501, MONDO:0013693, OMIM 614328.

Allele frequency attached by ClinVar (database versions not stated): gnomAD exomes 0.00002 and 0.00007; gnomAD 0.00003; TOPMed 0.00004; ExAC 0.00009; 1000 Genomes Project 0.00080; 1000 Genomes Project 30x 0.00094.
gnomAD v4.1: 35 of 1,603,946 alleles (0.0022%); highest among the groups gnomAD compares: East Asian, 0.076%; no homozygotes.

Submission:

Labcorp Genetics (formerly Invitae), Labcorp
Classification: Uncertain significance for Inflammatory skin and bowel disease, neonatal, 1. Last evaluated: 2025-10-22. Review status: criteria provided, single submitter. Criteria: Invitae Variant Classification Sherloc (09022015). Collection method: clinical testing. Allele origin: germline.
Comment: This sequence change replaces glutamine, which is neutral and polar, with arginine, which is basic and polar, at codon 179 of the ADAM17 protein (p.Gln179Arg). This variant is present in population databases (rs139401611, gnomAD 0.1%). This variant has not been reported in the literature in individuals affected with ADAM17-related conditions. ClinVar contains an entry for this variant (Variation ID: 660182). An algorithm developed to predict the effect of missense changes on protein structure and function (PolyPhen-2) suggests that this variant is likely to be tolerated. In summary, the available evidence is currently insufficient to determine the role of this variant in disease. Therefore, it has been classified as a Variant of Uncertain Significance.

NM_003183.6(ADAM17):c.536A>G (p.Gln179Arg)

Gene: ADAM17 (ADAM metallopeptidase domain 17; minus strand). Cytogenetic location: 2p25.1.
Variant type: single nucleotide variant.
Coding change: c.536A>G on transcript NM_003183.6 (MANE Select); coding-DNA position 536, A replaced by G.
Protein change: p.Gln179Arg; replaces glutamine 179 with arginine.
Molecular consequence: missense variant.
Genome position (GRCh38, 1-based): chr2:9,527,869, T>C on the plus strand (A>G on the coding strand, the complement: ADAM17 is on the minus strand). VCF-style: chr2-9527869-T-C. GRCh37 (hg19) VCF-style: chr2-9667998-T-C.
Other names: c.536A>G, p.Gln179Arg (LRG_1203t1); short protein forms Q179R.
Identifiers: ClinVar variation 660182 (VCV000660182.9), dbSNP rs139401611, ClinGen allele CA1523739.